The following is an entry in ClinVar:

ClinVar aggregate classification (germline): Pathogenic (1 of 4 stars; one submission).

Submission:

Labcorp Genetics (formerly Invitae), Labcorp
Classification: Pathogenic. Last evaluated: 2025-11-03. Review status: criteria provided, single submitter. Criteria: Invitae Variant Classification Sherloc (09022015). Collection method: clinical testing. Allele origin: germline.
Comment: This sequence change creates a premature translational stop signal (p.Gln198*) in the SLC4A1 gene. It is expected to result in an absent or disrupted protein product. Loss-of-function variants in SLC4A1 are known to be pathogenic (PMID: 8943874, 10926824, 23255290). This variant is not present in population databases (gnomAD no frequency). This variant has not been reported in the literature in individuals affected with SLC4A1-related conditions. Algorithms developed to predict the effect of sequence changes on RNA splicing suggest that this variant may disrupt the consensus splice site. For these reasons, this variant has been classified as Pathogenic.

Literature cited by the submitters: PubMed 8943874; PubMed 10926824; PubMed 23255290.

NM_000342.4(SLC4A1):c.592C>T (p.Gln198Ter)

Gene: SLC4A1 (solute carrier family 4 member 1 (Diego blood group); minus strand). Cytogenetic location: 17q21.31.
Variant type: single nucleotide variant.
Coding change: c.592C>T on transcript NM_000342.4 (MANE Select); coding-DNA position 592, C replaced by T.
Protein change: p.Gln198Ter; replaces glutamine 198 with a stop codon.
Molecular consequence: nonsense.
Genome position (GRCh38, 1-based): chr17:44,259,826, G>A on the plus strand (C>T on the coding strand, the complement: SLC4A1 is on the minus strand). VCF-style: chr17-44259826-G-A. GRCh37 (hg19) VCF-style: chr17-42337194-G-A.
Other names: short protein forms Q198*.
Identifiers: ClinVar variation 4730384 (VCV004730384.1).